The following is an entry in ClinVar:

NM_001182.5(ALDH7A1):c.1196G>T (p.Gly399Val)

Gene: ALDH7A1 (aldehyde dehydrogenase 7 family member A1; minus strand). Cytogenetic location: 5q23.2.
Variant type: single nucleotide variant.
Coding change: c.1196G>T on transcript NM_001182.5 (MANE Select); coding-DNA position 1196, G replaced by T.
Protein change: p.Gly399Val; replaces glycine 399 with valine.
Molecular consequence: missense variant. On other transcripts: intron variant (1).
Genome position (GRCh38, 1-based): chr5:126,554,291, C>A on the plus strand (G>T on the coding strand, the complement: ALDH7A1 is on the minus strand). VCF-style: chr5-126554291-C-A. GRCh37 (hg19) VCF-style: chr5-125889983-C-A.
Other names: c.1112G>T, p.Gly371Val (NM_001201377.2); c.1009-2154G>T (NM_001202404.2); short protein forms G371V, G399V.
Identifiers: ClinVar variation 848879 (VCV000848879.10), dbSNP rs1750101998, ClinGen allele CA360723741.

ClinVar aggregate classification (germline): Pathogenic (1 of 4 stars; one submission).

Conditions:
Pyridoxine-dependent epilepsy (EPEO4). Also called: Pyridoxine-Dependent Epilepsy - ALDH7A1; EPILEPSY, EARLY-ONSET, 4, VITAMIN B6-DEPENDENT; PYRIDOXINE DEPENDENCY WITH SEIZURES; Pyridoxine-Dependent Seizures. Identifiers: Orphanet 3006, MedGen C1849508, MONDO:0009945, OMIM 266100. Disease mechanism: loss of function.

Submission:

Labcorp Genetics (formerly Invitae), Labcorp
Classification: Pathogenic for Pyridoxine-dependent epilepsy. Last evaluated: 2022-03-21. Review status: criteria provided, single submitter. Criteria: Invitae Variant Classification Sherloc (09022015). Collection method: clinical testing. Allele origin: germline.
Comment: For these reasons, this variant has been classified as Pathogenic. Advanced modeling of protein sequence and biophysical properties (such as structural, functional, and spatial information, amino acid conservation, physicochemical variation, residue mobility, and thermodynamic stability) performed at Invitae indicates that this missense variant is expected to disrupt ALDH7A1 protein function. ClinVar contains an entry for this variant (Variation ID: 848879). This missense change has been observed in individual(s) with clinical features of pyridoxine-dependent epilepsy (Invitae). In at least one individual the data is consistent with being in trans (on the opposite chromosome) from a pathogenic variant. This variant is not present in population databases (gnomAD no frequency). This sequence change replaces glycine, which is neutral and non-polar, with valine, which is neutral and non-polar, at codon 399 of the ALDH7A1 protein (p.Gly399Val).